The following is an entry in ClinVar:

ClinVar aggregate classification (germline): Likely benign (0 of 4 stars; one submission).

Conditions:
CUL9-related disorder. Also called: CUL9-related condition.

Allele frequency attached by ClinVar (database versions not stated): TOPMed 0.00009; ExAC 0.00056.
gnomAD v4.1: 568 of 1,604,396 alleles (0.035%); highest among the groups gnomAD compares: South Asian, 0.37%; 5 homozygotes.

Submission:

PreventionGenetics, part of Exact Sciences
Classification: Likely benign for CUL9-related condition. Last evaluated: 2019-05-24. Review status: no assertion criteria provided. Collection method: clinical testing. Allele origin: germline.
Comment: This variant is classified as likely benign based on ACMG/AMP sequence variant interpretation guidelines (Richards et al. 2015 PMID: 25741868, with internal and published modifications).

NM_015089.4(CUL9):c.6240C>T (p.Asp2080=)

Gene: CUL9 (cullin 9; plus strand). Cytogenetic location: 6p21.1.
Variant type: single nucleotide variant.
Coding change: c.6240C>T on transcript NM_015089.4 (MANE Select); coding-DNA position 6240, C replaced by T.
Protein change: p.Asp2080=; no amino-acid change (aspartic acid 2080 retained).
Molecular consequence: synonymous variant.
Genome position (GRCh38, 1-based): chr6:43,216,461, C>T. VCF-style: chr6-43216461-C-T. GRCh37 (hg19) VCF-style: chr6-43184199-C-T.
Identifiers: ClinVar variation 3043966 (VCV003043966.2), dbSNP rs778436960, ClinGen allele CA3818588.